The following is an entry in ClinVar:

NM_000487.6(ARSA):c.1053del (p.Asn352fs)

Gene: ARSA (arylsulfatase A; minus strand). Cytogenetic location: 22q13.33.
Variant type: Deletion.
Coding change: c.1053del on transcript NM_000487.6 (MANE Select); coding-DNA position 1053, one base deleted (C; older notation c.1053delC).
Protein change: p.Asn352fs; shifts the reading frame from asparagine 352.
Molecular consequence: frameshift variant.
Genome position (GRCh38, 1-based): chr22:50,625,990, G deleted on the plus strand (C on the coding strand, the reverse complement: ARSA is on the minus strand); the first of 3 consecutive G bases (chr22:50,625,990-50,625,992); deleting any one gives the same sequence. VCF-style (leftmost placement, unchanged base first): chr22-50625989-TG-T. GRCh37 (hg19) VCF-style: chr22-51064417-TG-T.
Other names: c.1053del, p.Asn352fs (NM_001085425.3, NM_001085426.3, NM_001085427.3); c.795del, p.Asn266fs (NM_001085428.3, NM_001362782.2); short protein forms N266fs, N352fs.
Identifiers: ClinVar variation 2011818 (VCV002011818.4), dbSNP rs2518325834, ClinGen allele CA2580100076.

ClinVar aggregate classification (germline): Pathogenic (1 of 4 stars; one submission).

Conditions:
Metachromatic leukodystrophy (MLD). Also called: METACHROMATIC LEUKOENCEPHALOPATHY; SULFATIDE LIPIDOSIS; Cerebral sclerosis diffuse metachromatic form; Arylsulfatase A Deficiency; ARSA DEFICIENCY; CEREBROSIDE SULFATASE DEFICIENCY. Identifiers: Orphanet 512, MedGen C0023522, MONDO:0018868, OMIM 250100.

Submission:

Labcorp Genetics (formerly Invitae), Labcorp
Classification: Pathogenic for Metachromatic leukodystrophy. Last evaluated: 2022-06-28. Review status: criteria provided, single submitter. Criteria: Invitae Variant Classification Sherloc (09022015). Collection method: clinical testing. Allele origin: germline.
Comment: For these reasons, this variant has been classified as Pathogenic. This variant disrupts a region of the ARSA protein in which other variant(s) (p.Cys491Gly) have been determined to be pathogenic (PMID: 15026521; Invitae). This suggests that this is a clinically significant region of the protein, and that variants that disrupt it are likely to be disease-causing. This variant has not been reported in the literature in individuals affected with ARSA-related conditions. This variant is not present in population databases (gnomAD no frequency). This sequence change creates a premature translational stop signal (p.Asn352Metfs*71) in the ARSA gene. While this is not anticipated to result in nonsense mediated decay, it is expected to disrupt the last 158 amino acid(s) of the ARSA protein.

Literature cited by the submitters: PubMed 15026521.